The following is an entry in ClinVar:

NM_017988.6(SCYL2):c.1845A>G (p.Ile615Met)

Gene: SCYL2 (SCY1 like pseudokinase 2; plus strand). Cytogenetic location: 12q23.1.
Variant type: single nucleotide variant.
Coding change: c.1845A>G on transcript NM_017988.6 (MANE Select); coding-DNA position 1845, A replaced by G.
Protein change: p.Ile615Met; replaces isoleucine 615 with methionine.
Molecular consequence: missense variant.
Genome position (GRCh38, 1-based): chr12:100,334,249, A>G. VCF-style: chr12-100334249-A-G. GRCh37 (hg19) VCF-style: chr12-100728027-A-G.
Other names: c.1845A>G, p.Ile615Met (NM_001317784.2); c.1857A>G, p.Ile619Met (NM_001330253.2, NM_001330254.2); c.1338A>G, p.Ile446Met (NM_001330256.2); short protein forms I619M, I446M, I615M.
Identifiers: ClinVar variation 3158830 (VCV003158830.15), dbSNP rs35049317, ClinGen allele CA6738402.

ClinVar aggregate classification (germline): Likely benign. Review status: criteria provided, multiple submitters, no conflicts (2 of 4 stars). 2 submissions from 2 submitters: Likely benign (2). Last evaluated 2024-10-01.

Conditions:
Inborn genetic diseases. Identifiers: MedGen C0950123, MeSH D030342.

Allele frequency attached by ClinVar (database versions not stated): gnomAD exomes 0.00033; ExAC 0.00088; ESP Exome Variant Server 0.00246; 1000 Genomes Project 30x 0.00265; 1000 Genomes Project 0.00280; gnomAD 0.00327; TOPMed 0.00375.
gnomAD v4.1: 994 of 1,589,034 alleles (0.063%); highest among the groups gnomAD compares: African/African-American, 1.1%; 10 homozygotes.

Submissions (2):

CeGaT Center for Human Genetics Tuebingen
Classification: Likely benign. Last evaluated: 2024-10-01. Review status: criteria provided, single submitter. Criteria: CeGaT Center For Human Genetics Tuebingen Variant Classification Criteria Version 2. Collection method: clinical testing. Allele origin: germline. Affected: yes. Observed: 1 variant allele.
Comment: SCYL2: BP4, BS1

Ambry Genetics
Classification: Likely benign for Inborn genetic diseases. Last evaluated: 2023-11-06. Review status: criteria provided, single submitter. Criteria: Ambry Variant Classification Scheme 2023. Collection method: clinical testing. Allele origin: germline.